The following is an entry in ClinVar:

ClinVar aggregate classification (germline): Uncertain significance. Review status: criteria provided, multiple submitters, no conflicts (2 of 4 stars). 2 submissions from 2 submitters: Uncertain significance (2). Last evaluated 2024-11-05.

Allele frequency attached by ClinVar (database versions not stated): TOPMed 0.00002.

Submissions (2):

GeneDx
Classification: Uncertain significance. Last evaluated: 2024-11-05. Review status: criteria provided, single submitter. Criteria: GeneDx Variant Classification Process June 2021. Collection method: clinical testing. Allele origin: germline. Affected: yes.
Comment: Not observed at significant frequency in large population cohorts (gnomAD); In silico analysis supports that this missense variant has a deleterious effect on protein structure/function; Has not been previously published as pathogenic or benign to our knowledge

Labcorp Genetics (formerly Invitae), Labcorp
Classification: Uncertain significance. Last evaluated: 2023-09-12. Review status: criteria provided, single submitter. Criteria: Invitae Variant Classification Sherloc (09022015). Collection method: clinical testing. Allele origin: germline.
Comment: This sequence change replaces arginine, which is basic and polar, with glycine, which is neutral and non-polar, at codon 409 of the MARS2 protein (p.Arg409Gly). This variant is present in population databases (rs745551552, gnomAD 0.004%). This variant has not been reported in the literature in individuals affected with MARS2-related conditions. ClinVar contains an entry for this variant (Variation ID: 2172031). Advanced modeling of protein sequence and biophysical properties (such as structural, functional, and spatial information, amino acid conservation, physicochemical variation, residue mobility, and thermodynamic stability) performed at Invitae indicates that this missense variant is expected to disrupt MARS2 protein function. In summary, the available evidence is currently insufficient to determine the role of this variant in disease. Therefore, it has been classified as a Variant of Uncertain Significance.

NM_138395.4(MARS2):c.1225C>G (p.Arg409Gly)

Gene: MARS2 (methionyl-tRNA synthetase 2, mitochondrial; plus strand). Cytogenetic location: 2q33.1.
Variant type: single nucleotide variant.
Coding change: c.1225C>G on transcript NM_138395.4 (MANE Select); coding-DNA position 1225, C replaced by G.
Protein change: p.Arg409Gly; replaces arginine 409 with glycine.
Molecular consequence: missense variant.
Genome position (GRCh38, 1-based): chr2:197,706,630, C>G. VCF-style: chr2-197706630-C-G. GRCh37 (hg19) VCF-style: chr2-198571354-C-G.
Other names: c.1225C>G (NM_138395.3); short protein forms R409G.
Identifiers: ClinVar variation 2172031 (VCV002172031.5), dbSNP rs745551552, ClinGen allele CA2044712.